The following is an entry in ClinVar:

ClinVar aggregate classification (germline): Likely benign (1 of 4 stars; one submission).

Conditions:
USO1-related disorder. Also called: USO1-related condition.

Allele frequency attached by ClinVar (database versions not stated): TOPMed below 0.00001; gnomAD exomes 0.00001.
gnomAD v4.1: 15 of 1,557,920 alleles (0.00096%); highest among the groups gnomAD compares: Non-Finnish European, 0.0013%; no homozygotes.

Submission:

PreventionGenetics, part of Exact Sciences
Classification: Likely benign for USO1-related condition. Last evaluated: 2021-07-01. Review status: criteria provided, single submitter. Criteria: ACMG Guidelines, 2015. Collection method: clinical testing. Allele origin: germline.
Comment: This variant is classified as likely benign based on ACMG/AMP sequence variant interpretation guidelines (Richards et al. 2015 PMID: 25741868, with internal and published modifications).

NM_003715.4(USO1):c.2353G>A (p.Glu785Lys)

Gene: USO1 (USO1 vesicle transport factor; plus strand). Cytogenetic location: 4q21.1.
Variant type: single nucleotide variant.
Coding change: c.2353G>A on transcript NM_003715.4 (MANE Select); coding-DNA position 2353, G replaced by A.
Protein change: p.Glu785Lys; replaces glutamic acid 785 with lysine.
Molecular consequence: missense variant.
Genome position (GRCh38, 1-based): chr4:75,806,549, G>A. VCF-style: chr4-75806549-G-A. GRCh37 (hg19) VCF-style: chr4-76727702-G-A.
Other names: c.2386G>A, p.Glu796Lys (NM_001290049.2); short protein forms E785K, E796K.
Identifiers: ClinVar variation 3055089 (VCV003055089.1), dbSNP rs1723002439, ClinGen allele CA357291020.